The following is an entry in ClinVar:

ClinVar aggregate classification (germline): Uncertain significance. Review status: criteria provided, multiple submitters, no conflicts (2 of 4 stars). 4 submissions from 4 submitters: Uncertain significance (4). Last evaluated 2025-02-07.

Conditions:
Inborn genetic diseases. Identifiers: MedGen C0950123, MeSH D030342.
Bronchiectasis with or without elevated sweat chloride 1 (BESC1). Also called: Cystic Fibrosis-Like Syndrome. Identifiers: Orphanet 60033, MedGen C2749757, MONDO:0008887, OMIM 211400.
Liddle syndrome 1 (LIDLS1). Also called: PSEUDOALDOSTERONISM. Identifiers: Orphanet 526, MedGen CN031472, MONDO:0020607, OMIM 177200.
Pseudohypoaldosteronism, type IB2, autosomal recessive (PHA1B2). Identifiers: MedGen C5774255, MONDO:0859317, OMIM 620125.

Allele frequency attached by ClinVar (database versions not stated): ExAC 0.00005; gnomAD 0.00007; TOPMed 0.00009; ESP Exome Variant Server 0.00015; gnomAD exomes 0.00016.
gnomAD v4.1: 243 of 1,614,086 alleles (0.015%); highest among the groups gnomAD compares: Non-Finnish European, 0.02%; no homozygotes.

Submissions (4):

Ambry Genetics
Classification: Uncertain significance for Inborn genetic diseases. Last evaluated: 2025-02-07. Review status: criteria provided, single submitter. Criteria: Ambry Variant Classification Scheme 2023. Collection method: clinical testing. Allele origin: germline.

Blueprint Genetics
Classification: Uncertain significance. Last evaluated: 2024-08-15. Review status: criteria provided, single submitter. Criteria: ACMG Guidelines, 2015. Collection method: clinical testing. Allele origin: germline.

Fulgent Genetics
Classification: Uncertain significance for Liddle syndrome 1; Bronchiectasis with or without elevated sweat chloride 1; Pseudohypoaldosteronism, type IB2, autosomal recessive. Last evaluated: 2024-05-01. Review status: criteria provided, single submitter. Criteria: ACMG Guidelines, 2015. Collection method: clinical testing. Allele origin: germline.

Labcorp Genetics (formerly Invitae), Labcorp
Classification: Uncertain significance. Last evaluated: 2024-04-02. Review status: criteria provided, single submitter. Criteria: Invitae Variant Classification Sherloc (09022015). Collection method: clinical testing. Allele origin: germline.
Comment: This sequence change replaces arginine, which is basic and polar, with lysine, which is basic and polar, at codon 437 of the SCNN1B protein (p.Arg437Lys). This variant is present in population databases (rs375817973, gnomAD 0.02%). This variant has not been reported in the literature in individuals affected with SCNN1B-related conditions. ClinVar contains an entry for this variant (Variation ID: 2404764). Advanced modeling of protein sequence and biophysical properties (such as structural, functional, and spatial information, amino acid conservation, physicochemical variation, residue mobility, and thermodynamic stability) performed at Invitae indicates that this missense variant is not expected to disrupt SCNN1B protein function with a negative predictive value of 80%. In summary, the available evidence is currently insufficient to determine the role of this variant in disease. Therefore, it has been classified as a Variant of Uncertain Significance.

NM_000336.3(SCNN1B):c.1310G>A (p.Arg437Lys)

Gene: SCNN1B (sodium channel epithelial 1 subunit beta; plus strand). Cytogenetic location: 16p12.2.
Variant type: single nucleotide variant.
Coding change: c.1310G>A on transcript NM_000336.3 (MANE Select); coding-DNA position 1310, G replaced by A.
Protein change: p.Arg437Lys; replaces arginine 437 with lysine.
Molecular consequence: missense variant.
Genome position (GRCh38, 1-based): chr16:23,377,204, G>A. VCF-style: chr16-23377204-G-A. GRCh37 (hg19) VCF-style: chr16-23388525-G-A.
Other names: c.1202G>A, p.Arg401Lys (NM_001410900.1); short protein forms R437K, R401K.
Identifiers: ClinVar variation 2404764 (VCV002404764.8), dbSNP rs375817973, ClinGen allele CA7960460.